The following is an entry in ClinVar:

ClinVar aggregate classification (germline): Uncertain significance (1 of 4 stars; one submission).

Allele frequency attached by ClinVar (database versions not stated): TOPMed below 0.00001; gnomAD 0.00001; gnomAD exomes 0.00001.
gnomAD v4.1: 13 of 1,507,856 alleles (0.00086%); highest among the groups gnomAD compares: Non-Finnish European, 0.00088%; no homozygotes.

Submission:

Labcorp Genetics (formerly Invitae), Labcorp
Classification: Uncertain significance. Last evaluated: 2025-02-17. Review status: criteria provided, single submitter. Criteria: Invitae Variant Classification Sherloc (09022015). Collection method: clinical testing. Allele origin: germline.
Comment: This sequence change replaces valine, which is neutral and non-polar, with isoleucine, which is neutral and non-polar, at codon 194 of the KPNA7 protein (p.Val194Ile). This variant is present in population databases (no rsID available, gnomAD 0.002%). This variant has not been reported in the literature in individuals affected with KPNA7-related conditions. ClinVar contains an entry for this variant (Variation ID: 951385). Invitae Evidence Modeling of protein sequence and biophysical properties (such as structural, functional, and spatial information, amino acid conservation, physicochemical variation, residue mobility, and thermodynamic stability) indicates that this missense variant is not expected to disrupt KPNA7 protein function with a negative predictive value of 80%. In summary, the available evidence is currently insufficient to determine the role of this variant in disease. Therefore, it has been classified as a Variant of Uncertain Significance.

NM_001145715.3(KPNA7):c.580G>A (p.Val194Ile)

Gene: KPNA7 (karyopherin subunit alpha 7; minus strand). Cytogenetic location: 7q22.1.
Variant type: single nucleotide variant.
Coding change: c.580G>A on transcript NM_001145715.3 (MANE Select); coding-DNA position 580, G replaced by A.
Protein change: p.Val194Ile; replaces valine 194 with isoleucine.
Molecular consequence: missense variant.
Genome position (GRCh38, 1-based): chr7:99,193,075, C>T on the plus strand (G>A on the coding strand, the complement: KPNA7 is on the minus strand). VCF-style: chr7-99193075-C-T. GRCh37 (hg19) VCF-style: chr7-98790698-C-T.
Other names: short protein forms V194I.
Identifiers: ClinVar variation 951385 (VCV000951385.8), dbSNP rs895586451, ClinGen allele CA163746375.
Genomic context (GRCh38, chr7:99,193,075, plus strand): 5'-TTACCGGCAGGGTGGGTGAAATCAAGGCTAGGAGATGTGGGATGGCATTGCTTGTGATGA[C>T]GTTATCTCTGAACTCTGGGCCATCACCTACAAATAGAGCAGAATGTGACATTTAGAGAGA-3'
Protein context (NP_001139187.1, residues 184-204): AGDGPEFRDN[Val194Ile]ITSNAIPHLL